The following is an entry in ClinVar:

NM_005876.5(SPEG):c.7471C>T (p.Leu2491Phe)

Genes: ASIC4-AS1 (ASIC4 antisense RNA 1; minus strand), SPEG (striated muscle enriched protein kinase; plus strand). Cytogenetic location: 2q35.
Variant type: single nucleotide variant.
Coding change: c.7471C>T on transcript NM_005876.5 (MANE Select); coding-DNA position 7471, C replaced by T.
Protein change: p.Leu2491Phe; replaces leucine 2491 with phenylalanine.
Molecular consequence: missense variant.
Genome position (GRCh38, 1-based): chr2:219,484,934, C>T. VCF-style: chr2-219484934-C-T. GRCh37 (hg19) VCF-style: chr2-220349656-C-T.
Other names: short protein forms L2491F.
Identifiers: ClinVar variation 2074830 (VCV002074830.7), dbSNP rs1389525706, ClinGen allele CA350702662.

ClinVar aggregate classification (germline): Uncertain significance. Review status: criteria provided, multiple submitters, no conflicts (2 of 4 stars). 3 submissions from 3 submitters: Uncertain significance (3). Last evaluated 2025-10-13.

Conditions:
Inborn genetic diseases. Identifiers: MedGen C0950123, MeSH D030342.

Allele frequency attached by ClinVar (database versions not stated): gnomAD 0.00002; TOPMed 0.00002; gnomAD exomes 0.00003.

Submissions (3):

Labcorp Genetics (formerly Invitae), Labcorp
Classification: Uncertain significance. Last evaluated: 2025-10-13. Review status: criteria provided, single submitter. Criteria: Invitae Variant Classification Sherloc (09022015). Collection method: clinical testing. Allele origin: germline.
Comment: This sequence change replaces leucine, which is neutral and non-polar, with phenylalanine, which is neutral and non-polar, at codon 2491 of the SPEG protein (p.Leu2491Phe). This variant is present in population databases (no rsID available, gnomAD 0.007%). This variant has not been reported in the literature in individuals affected with SPEG-related conditions. ClinVar contains an entry for this variant (Variation ID: 2074830). An algorithm developed to predict the effect of missense changes on protein structure and function (PolyPhen-2) suggests that this variant is likely to be disruptive. In summary, the available evidence is currently insufficient to determine the role of this variant in disease. Therefore, it has been classified as a Variant of Uncertain Significance.

Ambry Genetics
Classification: Uncertain significance for Inborn genetic diseases. Last evaluated: 2025-06-30. Review status: criteria provided, single submitter. Criteria: Ambry Variant Classification Scheme 2023. Collection method: clinical testing. Allele origin: germline.

Blueprint Genetics
Classification: Uncertain significance. Last evaluated: 2023-03-31. Review status: criteria provided, single submitter. Criteria: ACMG Guidelines, 2015. Collection method: clinical testing. Allele origin: germline.